The following is an entry in ClinVar:

ClinVar aggregate classification (germline): Uncertain significance (1 of 4 stars; one submission).

Conditions:
Tuberous sclerosis 2 (TSC2). Identifiers: Orphanet 805, MedGen C1860707, MONDO:0013199, OMIM 613254.

Submission:

Labcorp Genetics (formerly Invitae), Labcorp
Classification: Uncertain significance for Tuberous sclerosis 2. Last evaluated: 2022-04-04. Review status: criteria provided, single submitter. Criteria: Invitae Variant Classification Sherloc (09022015). Collection method: clinical testing. Allele origin: germline.
Comment: In summary, the available evidence is currently insufficient to determine the role of this variant in disease. Therefore, it has been classified as a Variant of Uncertain Significance. Variants that disrupt the consensus splice site are a relatively common cause of aberrant splicing (PMID: 17576681, 9536098). Algorithms developed to predict the effect of sequence changes on RNA splicing suggest that this variant may disrupt the consensus splice site. Algorithms developed to predict the effect of missense changes on protein structure and function are either unavailable or do not agree on the potential impact of this missense change (SIFT: "Deleterious"; PolyPhen-2: "Probably Damaging"; Align-GVGD: "Class C15"). ClinVar contains an entry for this variant (Variation ID: 535989). This variant has not been reported in the literature in individuals affected with TSC2-related conditions. This variant is not present in population databases (gnomAD no frequency). This sequence change replaces glycine, which is neutral and non-polar, with arginine, which is basic and polar, at codon 1133 of the TSC2 protein (p.Gly1133Arg). This variant also falls at the last nucleotide of exon 29, which is part of the consensus splice site for this exon.

Literature cited by the submitters: PubMed 17576681; PubMed 9536098.

NM_000548.5(TSC2):c.3397G>A (p.Gly1133Arg)

Gene: TSC2 (TSC complex subunit 2; plus strand). Cytogenetic location: 16p13.3.
Variant type: single nucleotide variant.
Coding change: c.3397G>A on transcript NM_000548.5 (MANE Select); coding-DNA position 3397, G replaced by A.
Protein change: p.Gly1133Arg; replaces glycine 1133 with arginine.
Molecular consequence: missense variant.
Genome position (GRCh38, 1-based): chr16:2,079,669, G>A. VCF-style: chr16-2079669-G-A. GRCh37 (hg19) VCF-style: chr16-2129670-G-A.
Other names: c.3265G>A, p.Gly1089Arg (NM_001077183.3, NM_001370404.1); c.3397G>A, p.Gly1133Arg (NM_001114382.3); c.3157G>A, p.Gly1053Arg (NM_001318827.2); c.3121G>A, p.Gly1041Arg (NM_001318829.2); c.2665G>A, p.Gly889Arg (NM_001318831.2); c.3298G>A, p.Gly1100Arg (NM_001318832.2); c.3268G>A, p.Gly1090Arg (NM_001363528.2, NM_001370405.1, NM_021055.3); short protein forms G1133R, G1090R, G1100R, G1041R, G889R, G1053R, G1089R.
Identifiers: ClinVar variation 535989 (VCV000535989.8), dbSNP rs1555511031, ClinGen allele CA394286837.